The following is an entry in ClinVar:

NM_001267550.2(TTN):c.100826G>A (p.Arg33609Gln)

Genes: TTN-AS1 (TTN antisense RNA 1; plus strand), TTN (titin; minus strand). Cytogenetic location: 2q31.2.
Variant type: single nucleotide variant.
Coding change: c.100826G>A on transcript NM_001267550.2 (MANE Select); coding-DNA position 100826, G replaced by A.
Protein change: p.Arg33609Gln; replaces arginine 33609 with glutamine.
Molecular consequence: missense variant. On other transcripts: non-coding transcript variant (1).
Genome position (GRCh38, 1-based): chr2:178,535,789, C>T on the plus strand (G>A on the coding strand, the complement: TTN is on the minus strand). VCF-style: chr2-178535789-C-T. GRCh37 (hg19) VCF-style: chr2-179400516-C-T.
Other names: p.R31968Q:CGA>CAA; c.95903G>A, p.Arg31968Gln (NM_001256850.1); c.73631G>A, p.Arg24544Gln (NM_003319.4); c.93122G>A, p.Arg31041Gln (NM_133378.4); c.74006G>A, p.Arg24669Gln (NM_133432.3); c.74207G>A, p.Arg24736Gln (NM_133437.4); short protein forms R31968Q, R33609Q, R24736Q, R24544Q, R24669Q, R31041Q.
Identifiers: ClinVar variation 203061 (VCV000203061.54), dbSNP rs771243505, ClinGen allele CA311121.
Genomic context (GRCh38, chr2:178,535,789, plus strand): 5'-CAGGTGATCACAGGATCTGGTTTGCCACTGAAAGGAATCTTGATGCTGACCACTTCACCT[C>T]GGAGAGCATGAACTGCTCCCATGCCTTCAAGAGTTTTAGGTAAGTGTATCTTAGCTGGAA-3'
Protein context (NP_001254479.2, residues 33599-33619): LEGMGAVHAL[Arg33609Gln]GEVVSIKIPF

ClinVar aggregate classification (germline): Uncertain significance. Review status: criteria provided, multiple submitters, no conflicts (2 of 4 stars). 5 submissions from 5 submitters: Uncertain significance (4). 1 of the submissions does not count toward it. Last evaluated 2026-09-18.

Conditions:
TTN-related disorder. Also called: TTN-related condition; TTN-related disease; TTN-related disorders.
Autosomal recessive limb-girdle muscular dystrophy type 2J (LGMDR10). Also called: Limb-girdle muscular dystrophy, type 2J; MUSCULAR DYSTROPHY, LIMB-GIRDLE, AUTOSOMAL RECESSIVE 10. Identifiers: Orphanet 140922, MedGen C1837342, MONDO:0012127, OMIM 608807.
Dilated cardiomyopathy 1G (CMD1G). Identifiers: Orphanet 154, MedGen C1858763, MONDO:0011400, OMIM 604145.

Allele frequency attached by ClinVar (database versions not stated): ExAC 0.00001; gnomAD 0.00004; TOPMed 0.00004.
gnomAD v4.1: 21 of 1,611,894 alleles (0.0013%); highest among the groups gnomAD compares: Middle Eastern, 0.016%; no homozygotes.

Submissions (5):

PreventionGenetics, part of Exact Sciences
Classification: Uncertain significance for TTN-related condition. Last evaluated: 2026-09-18. Review status: criteria provided, single submitter. Criteria: ACMG Guidelines, 2015. Collection method: clinical testing. Allele origin: germline.
Comment: The TTN c.100826G>A variant is predicted to result in the amino acid substitution p.Arg33609Gln. This variant has been reported in a cohort study of individuals with dilated cardiomyopathy (Supplementary Table 4, Dalin et al. 2017. PubMed ID: 27886618). This variant is reported in 0.0056% of alleles in individuals of East Asian descent in gnomAD. At this time, the clinical significance of this variant is uncertain due to the absence of conclusive functional and genetic evidence.

Labcorp Genetics (formerly Invitae), Labcorp
Classification: Uncertain significance for Dilated cardiomyopathy 1G; Autosomal recessive limb-girdle muscular dystrophy type 2J. Last evaluated: 2026-01-28. Review status: criteria provided, single submitter. Criteria: Invitae Variant Classification Sherloc (09022015). Collection method: clinical testing. Allele origin: germline.
Comment: This sequence change replaces arginine, which is basic and polar, with glutamine, which is neutral and polar, at codon 33609 of the TTN protein (p.Arg33609Gln). This variant is present in population databases (rs771243505, gnomAD 0.006%). This missense change has been observed in individual(s) with clinical features of TTN-related conditions (PMID: 21520333). ClinVar contains an entry for this variant (Variation ID: 203061). Experimental studies and prediction algorithms are not available or were not evaluated, and the functional significance of this variant is currently unknown. This variant is located in the M band of TTN (PMID: 25589632). Non-truncating variants in this region may be relevant for neuromuscular disorders, but have not been definitively shown to cause cardiomyopathy (PMID: 23975875). In summary, the available evidence is currently insufficient to determine the role of this variant in disease. Therefore, it has been classified as a Variant of Uncertain Significance.

Revvity Omics, Revvity
Classification: Uncertain significance. Last evaluated: 2021-11-17. Review status: criteria provided, single submitter. Criteria: ACMG Guidelines, 2015. Collection method: clinical testing. Allele origin: germline.

CeGaT Center for Human Genetics Tuebingen
Classification: Uncertain significance. Last evaluated: 2017-01-01. Review status: criteria provided, single submitter. Criteria: CeGaT Center For Human Genetics Tuebingen Variant Classification Criteria Version 2. Collection method: clinical testing. Allele origin: germline. Affected: yes. Observed: 1 variant allele.

GeneDx
No classification provided. Last evaluated: 2014-12-04. Review status: no classification provided. Criteria: GeneDx Variant Classification (06012015). Collection method: clinical testing. Allele origin: germline. Affected: yes. Not counted in ClinVar's aggregate classification.
Comment: Missense variants in the TTN gene are considered 'unclassified' if they are not previously reported in the literature and do not have >1% frequency in the population to be considered a polymorphism. Research indicates that truncating mutations in the TTN gene are expected to account for approximately 25% of familial and 18% of sporadic idiopathic DCM; however, truncating variants in the TTN gene have been reported in approximately 3% of reported control alleles. There has been little investigation into non-truncating variants. (Herman D et al. Truncations of titin causing dilated cardiomyopathy. N Eng J Med 366:619-628, 2012) The variant is found in CARDIOMYOPATHY panel(s).

Literature cited by the submitters: PubMed 21520333 (cited by Labcorp Genetics (formerly Invitae), Labcorp); PubMed 25589632 (cited by Labcorp Genetics (formerly Invitae), Labcorp); PubMed 23975875 (cited by Labcorp Genetics (formerly Invitae), Labcorp).